The following is an entry in ClinVar:

NM_014425.5(INVS):c.1016G>A (p.Arg339Lys)

Gene: INVS (inversin; plus strand). Cytogenetic location: 9q31.1.
Variant type: single nucleotide variant.
Coding change: c.1016G>A on transcript NM_014425.5 (MANE Select); coding-DNA position 1016, G replaced by A.
Protein change: p.Arg339Lys; replaces arginine 339 with lysine.
Molecular consequence: missense variant. On other transcripts: non-coding transcript variant (1).
Genome position (GRCh38, 1-based): chr9:100,246,725, G>A. VCF-style: chr9-100246725-G-A. GRCh37 (hg19) VCF-style: chr9-103009007-G-A.
Other names: c.728G>A, p.Arg243Lys (NM_001318381.2); c.38G>A, p.Arg13Lys (NM_001318382.2); c.1016G>A (NM_014425.4); short protein forms R339K, R13K, R243K.
Identifiers: ClinVar variation 1444996 (VCV001444996.5), dbSNP rs768193321, ClinGen allele CA5158304.

ClinVar aggregate classification (germline): Uncertain significance. Review status: criteria provided, multiple submitters, no conflicts (2 of 4 stars). 2 submissions from 2 submitters: Uncertain significance (2). Last evaluated 2025-11-04.

Conditions:
Nephronophthisis. Also called: Juvenile Nephronophthisis. Identifiers: Orphanet 655, MedGen C0687120, MONDO:0019005, HP:0000090.
INVS-related disorder. Also called: INVS-related condition.

Allele frequency attached by ClinVar (database versions not stated): gnomAD exomes below 0.00001 and 0.00001; ExAC 0.00002.
gnomAD v4.1: 1 of 1,614,000 alleles (0.000062%); highest among the groups gnomAD compares: Non-Finnish European, 0.000085%; no homozygotes.

Submissions (2):

PreventionGenetics, part of Exact Sciences
Classification: Uncertain significance for INVS-related condition. Last evaluated: 2025-11-04. Review status: criteria provided, single submitter. Criteria: ACMG Guidelines, 2015. Collection method: clinical testing. Allele origin: germline.
Comment: The INVS c.1016G>A variant is predicted to result in the amino acid substitution p.Arg339Lys. To our knowledge, this variant has not been reported in the literature. This variant is reported in 0.0018% of alleles in individuals of European (Non-Finnish) descent in gnomAD. At this time, the clinical significance of this variant is uncertain due to the absence of conclusive functional and genetic evidence.

Labcorp Genetics (formerly Invitae), Labcorp
Classification: Uncertain significance for Nephronophthisis. Last evaluated: 2021-10-27. Review status: criteria provided, single submitter. Criteria: Invitae Variant Classification Sherloc (09022015). Collection method: clinical testing. Allele origin: germline.
Comment: This sequence change replaces arginine, a(n) basic and polar amino acid, with lysine, a(n) basic and polar amino acid, at codon 339 of the INVS protein (p.Arg339Lys). This variant is present in population databases (rs768193321, gnomAD 0.002%). This variant has not been reported in the literature in individuals affected with INVS-related conditions. Algorithms developed to predict the effect of missense changes on protein structure and function output the following: SIFT: "Deleterious"; PolyPhen-2: "Benign"; Align-GVGD: "Class C25". The lysine amino acid residue is found in multiple mammalian species, which suggests that this missense change does not adversely affect protein function. In summary, the available evidence is currently insufficient to determine the role of this variant in disease. Therefore, it has been classified as a Variant of Uncertain Significance.